The following is an entry in ClinVar:

ClinVar aggregate classification (germline): Pathogenic. Review status: criteria provided, multiple submitters, no conflicts (2 of 4 stars). 5 submissions from 5 submitters: Pathogenic (4). 1 of the submissions does not count toward it. Last evaluated 2023-07-13.

Conditions:
Autosomal recessive osteopetrosis 5. Identifiers: Orphanet 85179, MedGen C1968603, MONDO:0009817, OMIM 259720.

Submissions (5):

Labcorp Genetics (formerly Invitae), Labcorp
Classification: Pathogenic. Last evaluated: 2023-07-13. Review status: criteria provided, single submitter. Criteria: Invitae Variant Classification Sherloc (09022015). Collection method: clinical testing. Allele origin: germline.
Comment: This sequence change creates a premature translational stop signal (p.Gln140Glufs*11) in the OSTM1 gene. It is expected to result in an absent or disrupted protein product. Loss-of-function variants in OSTM1 are known to be pathogenic (PMID: 12627228, 15108279, 16813530). This variant is not present in population databases (gnomAD no frequency). This premature translational stop signal has been observed in individual(s) with malignant infantile osteopetrosis and/or skeletal dysplasia (PMID: 15108279, 29620724). For these reasons, this variant has been classified as Pathogenic.

Genomic Medicine Center of Excellence, King Faisal Specialist Hospital and Research Centre
Classification: Pathogenic for Autosomal recessive osteopetrosis 5. Last evaluated: 2023-05-08. Review status: criteria provided, single submitter. Criteria: ACMG Guidelines, 2015. Collection method: research. Allele origin: germline. Affected: yes.

Revvity Omics, Revvity
Classification: Pathogenic for Autosomal recessive osteopetrosis 5. Last evaluated: 2021-04-16. Review status: criteria provided, single submitter. Criteria: ACMG Guidelines, 2015. Collection method: clinical testing. Allele origin: germline.

Eurofins Ntd Llc (ga)
Classification: Pathogenic. Last evaluated: 2015-06-08. Review status: criteria provided, single submitter. Criteria: EGL Classification Definitions 2015. Collection method: clinical testing. Allele origin: germline. Observed: 2 variant alleles, 2 heterozygotes.

OMIM
Classification: Pathogenic for OSTEOPETROSIS, AUTOSOMAL RECESSIVE 5. Last evaluated: 2006-07-01. Review status: no assertion criteria provided. Collection method: literature only. Allele origin: germline. Not counted in ClinVar's aggregate classification.

Literature cited by the submitters: PubMed 12627228 (cited by Labcorp Genetics (formerly Invitae), Labcorp); PubMed 15108279 (cited by 3 submitters); PubMed 16813530 (cited by Labcorp Genetics (formerly Invitae), Labcorp and OMIM); PubMed 29620724 (cited by Labcorp Genetics (formerly Invitae), Labcorp); PubMed 10325711 (cited by OMIM).

NM_014028.4(OSTM1):c.415_416del (p.Gln140fs)

Gene: OSTM1 (osteoclastogenesis associated transmembrane protein 1; minus strand). Cytogenetic location: 6q21.
Variant type: Microsatellite.
Coding change: c.415_416del on transcript NM_014028.4 (MANE Select); coding-DNA positions 415 to 416, 2 bases deleted (AG; older notation c.415_416delAG).
Protein change: p.Gln140fs; shifts the reading frame from glutamine 140.
Molecular consequence: frameshift variant.
Genome position (GRCh38, 1-based): chr6:108,064,286-108,064,287, CT deleted on the plus strand (AG on the coding strand, the reverse complement: OSTM1 is on the minus strand); deleting any 2 consecutive bases within chr6:108,064,286-108,064,291 gives the same sequence; the c. name uses the placement nearest the transcript's 3' end. VCF-style (leftmost placement, unchanged base first): chr6-108064285-ACT-A. GRCh37 (hg19) VCF-style: chr6-108385489-ACT-A.
Other names: short protein forms Q140fs.
Identifiers: ClinVar variation 195291 (VCV000195291.13), dbSNP rs794727287, ClinGen allele CA201659.
Genomic context (GRCh38, chr6:108,064,285, plus strand): 5'-TGAGAGAATCACAACTATTTGCATTCTATCTGCCATTAAGAGACTTCTGGCACAACTCTG[ACT>A]CTCTGAAGTATTCTGTAACAAAAAGAAGACAGAAAAATACAATCTGAGTATTTTCAGACT-3'